The following is an entry in ClinVar:

NM_001321075.3(DLG4):c.2141C>G (p.Pro714Arg)

Gene: DLG4 (discs large MAGUK scaffold protein 4; minus strand). Cytogenetic location: 17p13.1.
Variant type: single nucleotide variant.
Coding change: c.2141C>G on transcript NM_001321075.3 (MANE Select); coding-DNA position 2141, C replaced by G.
Protein change: p.Pro714Arg; replaces proline 714 with arginine.
Molecular consequence: missense variant. On other transcripts: non-coding transcript variant (1).
Genome position (GRCh38, 1-based): chr17:7,190,742, G>C on the plus strand (C>G on the coding strand, the complement: DLG4 is on the minus strand). VCF-style: chr17-7190742-G-C. GRCh37 (hg19) VCF-style: chr17-7094061-G-C.
Other names: c.2132C>G, p.Pro711Arg (NM_001128827.4); c.2261C>G, p.Pro754Arg (NM_001321074.1); c.1961C>G, p.Pro654Arg (NM_001321076.3, NM_001321077.3); c.2270C>G, p.Pro757Arg (NM_001365.5); c.2060C>G, p.Pro687Arg (NM_001369566.3); short protein forms P654R, P687R, P711R, P714R, P754R, P757R.
Identifiers: ClinVar variation 3362187 (VCV003362187.1).
Genomic context (GRCh38, chr17:7,190,742, plus strand): 5'-GAGTCCAGGCCAAGCCAGGGCAGGAATCAGAGTCTCTCTCGGGCTGGAACCCAGATGTAG[G>C]GGCCTGAGAGGTCCTCGATGACACGCTTCACCTTGTGGTAGATCTCCTCAAAGCTGTCAC-3'
Protein context (NP_001308004.1, residues 704-724): VKRVIEDLSG[Pro714Arg]YIWVPARERL

ClinVar aggregate classification (germline): Uncertain significance (1 of 4 stars; one submission).

Submission:

GeneDx
Classification: Uncertain significance. Last evaluated: 2023-05-26. Review status: criteria provided, single submitter. Criteria: GeneDx Variant Classification Process June 2021. Collection method: clinical testing. Allele origin: germline. Affected: yes.
Comment: Not observed at significant frequency in large population cohorts (gnomAD); In silico analysis supports that this missense variant has a deleterious effect on protein structure/function; Has not been previously published as pathogenic or benign to our knowledge